The following is an entry in ClinVar:

NM_001040716.2(PC):c.1512C>T (p.Leu504=)

Gene: PC (pyruvate carboxylase; minus strand). Cytogenetic location: 11q13.2.
Variant type: single nucleotide variant.
Coding change: c.1512C>T on transcript NM_001040716.2 (MANE Select); coding-DNA position 1512, C replaced by T.
Protein change: p.Leu504=; no amino-acid change (leucine 504 retained).
Molecular consequence: synonymous variant.
Genome position (GRCh38, 1-based): chr11:66,853,240, G>A on the plus strand (C>T on the coding strand, the complement: PC is on the minus strand). VCF-style: chr11-66853240-G-A. GRCh37 (hg19) VCF-style: chr11-66620711-G-A.
Other names: c.1512C>T (NM_001040716.1); c.1512C>T, p.Leu504= (NM_000920.4, NM_022172.3).
Identifiers: ClinVar variation 658310 (VCV000658310.31), dbSNP rs763298490, ClinGen allele CA6131387.

ClinVar aggregate classification (germline): Conflicting classifications of pathogenicity. Review status: criteria provided, conflicting classifications (1 of 4 stars). 3 submissions from 3 submitters: Uncertain significance (1); Likely benign (1). 1 of the submissions does not count toward it. Last evaluated 2023-01-01.

Conditions:
PC-related disorder. Also called: PC-related condition.
Pyruvate carboxylase deficiency. Also called: Pyruvate Carboxylase Deficiency Disease; LEIGH NECROTIZING ENCEPHALOPATHY DUE TO PYRUVATE CARBOXYLASE DEFICIENCY; LEIGH SYNDROME DUE TO PYRUVATE CARBOXYLASE DEFICIENCY; PC DEFICIENCY; ATAXIA WITH LACTIC ACIDOSIS II. Identifiers: Orphanet 3008, MedGen C0034341, MONDO:0009949, OMIM 266150.

Allele frequency attached by ClinVar (database versions not stated): ExAC 0.00003; gnomAD exomes 0.00004; TOPMed 0.00005; gnomAD 0.00006.
gnomAD v4.1: 75 of 1,613,788 alleles (0.0046%); highest among the groups gnomAD compares: South Asian, 0.0077%; no homozygotes.

Submissions (3):

CeGaT Center for Human Genetics Tuebingen
Classification: Likely benign. Last evaluated: 2023-01-01. Review status: criteria provided, single submitter. Criteria: CeGaT Center For Human Genetics Tuebingen Variant Classification Criteria Version 2. Collection method: clinical testing. Allele origin: germline. Affected: yes. Observed: 1 variant allele.
Comment: PC: BP4, BP7

Labcorp Genetics (formerly Invitae), Labcorp
Classification: Uncertain significance for Pyruvate carboxylase deficiency. Last evaluated: 2018-07-30. Review status: criteria provided, single submitter. Criteria: Invitae Variant Classification Sherloc (09022015). Collection method: clinical testing. Allele origin: germline.
Comment: This sequence change affects codon 504 of the PC mRNA. It is a 'silent' change, meaning that it does not change the encoded amino acid sequence of the PC protein. This variant is present in population databases (rs763298490, ExAC 0.006%). This variant has not been reported in the literature in individuals with PC-related disease. Algorithms developed to predict the effect of sequence changes on RNA splicing suggest that this variant may disrupt the consensus splice site, but this prediction has not been confirmed by published transcriptional studies. In summary, the available evidence is currently insufficient to determine the role of this variant in disease. Therefore, it has been classified as a Variant of Uncertain Significance.

PreventionGenetics, part of Exact Sciences
Classification: Likely benign for PC-related condition. Last evaluated: 2020-02-19. Review status: no assertion criteria provided. Collection method: clinical testing. Allele origin: germline. Not counted in ClinVar's aggregate classification.
Comment: This variant is classified as likely benign based on ACMG/AMP sequence variant interpretation guidelines (Richards et al. 2015 PMID: 25741868, with internal and published modifications).